The following is an entry in ClinVar:

NM_000283.4(PDE6B):c.339_353del (p.Gln114_Val118del)

Gene: PDE6B (phosphodiesterase 6B; plus strand). Cytogenetic location: 4p16.3.
Variant type: Deletion.
Coding change: c.339_353del on transcript NM_000283.4 (MANE Select); coding-DNA positions 339 to 353, 15 bases deleted (GCAGCCGGACAGCGT).
Protein change: p.Gln114_Val118del.
Genome position (GRCh38, 1-based): chr4:625,965-625,979, GCAGCCGGACAGCGT deleted; deleting any 15 consecutive bases within chr4:625,959-625,979 gives the same sequence; the c. name uses the placement nearest the transcript's 3' end. VCF-style (leftmost placement, unchanged base first): chr4-625958-TCAGCGTGCAGCCGGA-T. GRCh37 (hg19) VCF-style: chr4-619747-TCAGCGTGCAGCCGGA-T.
Other names: c.339_353del, p.Gln114_Val118del (NM_001145291.2).
Identifiers: ClinVar variation 3642591 (VCV003642591.2).

ClinVar aggregate classification (germline): Uncertain significance (1 of 4 stars; one submission).

Submission:

Labcorp Genetics (formerly Invitae), Labcorp
Classification: Uncertain significance. Last evaluated: 2024-03-19. Review status: criteria provided, single submitter. Criteria: Invitae Variant Classification Sherloc (09022015). Collection method: clinical testing. Allele origin: germline.
Comment: This variant, c.339_353del, results in the deletion of 5 amino acid(s) of the PDE6B protein (p.Gln114_Val118del), but otherwise preserves the integrity of the reading frame. This variant is not present in population databases (gnomAD no frequency). This variant has not been reported in the literature in individuals affected with PDE6B-related conditions. Experimental studies and prediction algorithms are not available or were not evaluated, and the functional significance of this variant is currently unknown. In summary, the available evidence is currently insufficient to determine the role of this variant in disease. Therefore, it has been classified as a Variant of Uncertain Significance.